The following is an entry in ClinVar:

NM_003482.4(KMT2D):c.1379C>T (p.Pro460Leu)

Gene: KMT2D (lysine methyltransferase 2D; minus strand). Cytogenetic location: 12q13.12.
Variant type: single nucleotide variant.
Coding change: c.1379C>T on transcript NM_003482.4 (MANE Select); coding-DNA position 1379, C replaced by T.
Protein change: p.Pro460Leu; replaces proline 460 with leucine.
Molecular consequence: missense variant.
Genome position (GRCh38, 1-based): chr12:49,052,304, G>A on the plus strand (C>T on the coding strand, the complement: KMT2D is on the minus strand). VCF-style: chr12-49052304-G-A. GRCh37 (hg19) VCF-style: chr12-49446087-G-A.
Other names: short protein forms P460L.
Identifiers: ClinVar variation 4752728 (VCV004752728.1).
Genomic context (GRCh38, chr12:49,052,304, plus strand): 5'-GGAAGTGGGGATGCGGGCAATTCCTCAGGTGGTGGTGACAGGCGTGATGCCTCAGGTGGT[G>A]GGGACGTGGGTGATTCCTCAGGTGGTGGGGACAGGGGTGACTCCTCAGGTGGGGGCAGCA-3'
Protein context (NP_003473.3, residues 450-470): SPPPEESPTS[Pro460Leu]PPEASRLSPP

ClinVar aggregate classification (germline): Uncertain significance (1 of 4 stars; one submission).

Conditions:
Kabuki syndrome. Also called: Kabuki make-up syndrome; NIIKAWA-KUROKI SYNDROME. Identifiers: Orphanet 2322, MedGen C0796004, MONDO:0016512.

Submission:

Labcorp Genetics (formerly Invitae), Labcorp
Classification: Uncertain significance for Kabuki syndrome. Last evaluated: 2026-01-06. Review status: criteria provided, single submitter. Criteria: Invitae Variant Classification Sherloc (09022015). Collection method: clinical testing. Allele origin: germline.
Comment: This sequence change replaces proline, which is neutral and non-polar, with leucine, which is neutral and non-polar, at codon 460 of the KMT2D protein (p.Pro460Leu). This variant is not present in population databases (gnomAD no frequency). This variant has not been reported in the literature in individuals affected with KMT2D-related conditions. Invitae Evidence Modeling of protein sequence and biophysical properties (such as structural, functional, and spatial information, amino acid conservation, physicochemical variation, residue mobility, and thermodynamic stability) indicates that this missense variant is not expected to disrupt KMT2D protein function with a negative predictive value of 95%. In summary, the available evidence is currently insufficient to determine the role of this variant in disease. Therefore, it has been classified as a Variant of Uncertain Significance.